The following is an entry in ClinVar:

NM_000018.4(ACADVL):c.1532+20C>G

Gene: ACADVL (acyl-CoA dehydrogenase very long chain; plus strand). Cytogenetic location: 17p13.1.
Variant type: single nucleotide variant.
Coding change: c.1532+20C>G on transcript NM_000018.4 (MANE Select); 20 bases into the intron after coding-DNA position 1532, C replaced by G.
Molecular consequence: intron variant.
Genome position (GRCh38, 1-based): chr17:7,224,263, C>G. VCF-style: chr17-7224263-C-G. GRCh37 (hg19) VCF-style: chr17-7127582-C-G.
Other names: c.1601+20C>G (NM_001270447.2); c.1304+20C>G (NM_001270448.2); c.1466+20C>G (NM_001033859.3).
Identifiers: ClinVar variation 513969 (VCV000513969.8), dbSNP rs1291717212, ClinGen allele CA624860724.
Genomic context (GRCh38, chr17:7,224,263, plus strand): 5'-GCTGGCCTCCTGCTAGGAGAGGCAGGCAAACAGCTGAGGCGGTAGGCTTAGGGCCAGAGC[C>G]AGGGGAGGGCAGGGTGGTGTATGGCAACTAACCAGTCATTCTCCCTCTTCCTCTCAGGCG-3'

ClinVar aggregate classification (germline): Likely benign. Review status: criteria provided, multiple submitters, no conflicts (2 of 4 stars). 2 submissions from 2 submitters: Likely benign (2). Last evaluated 2024-09-18.

Conditions:
Very long chain acyl-CoA dehydrogenase deficiency (ACADVLD). Also called: VLCAD Deficiency; Very Long-Chain Acyl-Coenzyme A Dehydrogenase Deficiency. Identifiers: Orphanet 26793, MedGen C3887523, MONDO:0008723, OMIM 201475.

Allele frequency attached by ClinVar (database versions not stated): gnomAD exomes below 0.00001.
gnomAD v4.1: 2 of 1,613,562 alleles (0.00012%); highest among the groups gnomAD compares: Non-Finnish European, 0.00017%; no homozygotes.

Submissions (2):

Labcorp Genetics (formerly Invitae), Labcorp
Classification: Likely benign for Very long chain acyl-CoA dehydrogenase deficiency. Last evaluated: 2024-09-18. Review status: criteria provided, single submitter. Criteria: Invitae Variant Classification Sherloc (09022015). Collection method: clinical testing. Allele origin: germline.

GeneDx
Classification: Likely benign. Last evaluated: 2018-01-10. Review status: criteria provided, single submitter. Criteria: GeneDx Variant Classification (06012015). Collection method: clinical testing. Allele origin: germline. Affected: yes.
Comment: This variant is considered likely benign or benign based on one or more of the following criteria: it is a conservative change, it occurs at a poorly conserved position in the protein, it is predicted to be benign by multiple in silico algorithms, and/or has population frequency not consistent with disease.